The following is an entry in ClinVar:

NM_178452.6(DNAAF1):c.1121A>T (p.Lys374Met)

Gene: DNAAF1 (dynein axonemal assembly factor 1; plus strand). Cytogenetic location: 16q24.1.
Variant type: single nucleotide variant.
Coding change: c.1121A>T on transcript NM_178452.6 (MANE Select); coding-DNA position 1121, A replaced by T.
Protein change: p.Lys374Met; replaces lysine 374 with methionine.
Molecular consequence: missense variant.
Genome position (GRCh38, 1-based): chr16:84,169,949, A>T. VCF-style: chr16-84169949-A-T. GRCh37 (hg19) VCF-style: chr16-84203555-A-T.
Other names: c.413A>T, p.Lys138Met (NM_001318756.1); c.1121A>T (NM_178452.4); short protein forms K138M, K374M.
Identifiers: ClinVar variation 2646906 (VCV002646906.24), dbSNP rs1331796070, ClinGen allele CA396947532.

ClinVar aggregate classification (germline): Uncertain significance. Review status: criteria provided, multiple submitters, no conflicts (2 of 4 stars). 2 submissions from 2 submitters: Uncertain significance (2). Last evaluated 2025-10-18.

Conditions:
Primary ciliary dyskinesia. Also called: Ciliary dyskinesia. Identifiers: Orphanet 244, MedGen C0008780, MONDO:0016575, HP:0012265.

Allele frequency attached by ClinVar (database versions not stated): gnomAD exomes below 0.00001.
gnomAD v4.1: 2 of 1,614,166 alleles (0.00012%); highest among the groups gnomAD compares: Non-Finnish European, 0.00017%; no homozygotes.

Submissions (2):

Ambry Genetics
Classification: Uncertain significance for Primary ciliary dyskinesia. Last evaluated: 2025-10-18. Review status: criteria provided, single submitter. Criteria: Ambry Variant Classification Scheme 2023. Collection method: clinical testing. Allele origin: germline.

CeGaT Center for Human Genetics Tuebingen
Classification: Uncertain significance. Last evaluated: 2023-08-01. Review status: criteria provided, single submitter. Criteria: CeGaT Center For Human Genetics Tuebingen Variant Classification Criteria Version 2. Collection method: clinical testing. Allele origin: germline. Affected: yes. Observed: 1 variant allele.
Comment: DNAAF1: PM2, BP4